The following is an entry in ClinVar:

ClinVar aggregate classification (germline): Uncertain significance (1 of 4 stars; one submission).

Conditions:
Emery-Dreifuss muscular dystrophy 4, autosomal dominant (EDMD4). Also called: EMERY-DREIFUSS MUSCULAR DYSTROPHY 4 WITH VARIABLE FEATURES. Identifiers: Orphanet 261, MedGen C2751807, MONDO:0013071, OMIM 612998.
Autosomal recessive ataxia, Beauce type. Also called: Spinocerebellar ataxia, autosomal recessive 8; ATAXIA, RECESSIVE, OF BEAUCE; SYNE1-Related Autosomal Recessive Cerebellar Ataxia; SYNE1 Deficiency. Identifiers: Orphanet 88644, MedGen C1853116, MONDO:0012549, OMIM 610743.

Allele frequency attached by ClinVar (database versions not stated): gnomAD exomes below 0.00001; TOPMed 0.00001.
gnomAD v4.1: 7 of 1,613,870 alleles (0.00043%); highest among the groups gnomAD compares: Admixed American, 0.005%; no homozygotes.

Submission:

Labcorp Genetics (formerly Invitae), Labcorp
Classification: Uncertain significance for Emery-Dreifuss muscular dystrophy 4, autosomal dominant; Autosomal recessive ataxia, Beauce type. Last evaluated: 2022-05-19. Review status: criteria provided, single submitter. Criteria: Invitae Variant Classification Sherloc (09022015). Collection method: clinical testing. Allele origin: germline.
Comment: This sequence change replaces glycine, which is neutral and non-polar, with arginine, which is basic and polar, at codon 3135 of the SYNE1 protein (p.Gly3135Arg). This variant is present in population databases (no rsID available, gnomAD 0.003%). This variant has not been reported in the literature in individuals affected with SYNE1-related conditions. Algorithms developed to predict the effect of missense changes on protein structure and function (SIFT, PolyPhen-2, Align-GVGD) all suggest that this variant is likely to be disruptive. Algorithms developed to predict the effect of sequence changes on RNA splicing suggest that this variant may create or strengthen a splice site. In summary, the available evidence is currently insufficient to determine the role of this variant in disease. Therefore, it has been classified as a Variant of Uncertain Significance.

NM_182961.4(SYNE1):c.9382G>A (p.Gly3128Arg)

Gene: SYNE1 (spectrin repeat containing nuclear envelope protein 1; minus strand). Cytogenetic location: 6q25.2.
Variant type: single nucleotide variant.
Coding change: c.9382G>A on transcript NM_182961.4 (MANE Select); coding-DNA position 9382, G replaced by A.
Protein change: p.Gly3128Arg; replaces glycine 3128 with arginine.
Molecular consequence: missense variant.
Genome position (GRCh38, 1-based): chr6:152,373,162, C>T on the plus strand (G>A on the coding strand, the complement: SYNE1 is on the minus strand). VCF-style: chr6-152373162-C-T. GRCh37 (hg19) VCF-style: chr6-152694297-C-T.
Other names: c.9403G>A, p.Gly3135Arg (NM_033071.5); short protein forms G3128R, G3135R.
Identifiers: ClinVar variation 2199453 (VCV002199453.1), dbSNP rs931352070, ClinGen allele CA150224498.
Genomic context (GRCh38, chr6:152,373,162, plus strand): 5'-TAACTTTGGCCTGGATCCCTTTCGCTTTCTCTTTGGTCAGCAGGGTACTCAGAAGTTCCC[C>T]TTTAGACAGCATCATGTTTAGCTTGTGCTGTCCATTTTCACTTTCTGACAAAAACTCCTA-3'
Protein context (NP_892006.3, residues 3118-3138): QHKLNMMLSK[Gly3128Arg]ELLSTLLTKE